The following is an entry in ClinVar:

ClinVar aggregate classification (germline): Uncertain significance (1 of 4 stars; one submission).

Conditions:
Hereditary spastic paraplegia 39 (SPG39). Also called: SPASTIC PARAPLEGIA 39, AUTOSOMAL RECESSIVE; Spastic Paraplegia Type 39 (SPG39). Identifiers: Orphanet 139480, MedGen C2677586, MONDO:0012787, OMIM 612020.

Allele frequency attached by ClinVar (database versions not stated): gnomAD below 0.00001 and 0.00001; gnomAD exomes below 0.00001; ExAC 0.00001.
gnomAD v4.1: 8 of 1,612,556 alleles (0.0005%); highest among the groups gnomAD compares: South Asian, 0.0055%; no homozygotes.

Submission:

Labcorp Genetics (formerly Invitae), Labcorp
Classification: Uncertain significance for Hereditary spastic paraplegia 39. Last evaluated: 2019-11-21. Review status: criteria provided, single submitter. Criteria: Invitae Variant Classification Sherloc (09022015). Collection method: clinical testing. Allele origin: germline.
Comment: This sequence change falls in intron 7 of the PNPLA6 gene. It does not directly change the encoded amino acid sequence of the PNPLA6 protein, but it affects a nucleotide within the consensus splice site of the intron. This variant has not been reported in the literature in individuals with PNPLA6-related conditions. This variant is present in population databases (rs764501990, ExAC 0.006%). Nucleotide substitutions within the consensus splice site are a relatively common cause of aberrant splicing (PMID: 17576681, 9536098). Algorithms developed to predict the effect of sequence changes on RNA splicing suggest that this variant is not likely to affect RNA splicing, but this prediction has not been confirmed by published transcriptional studies. In summary, the available evidence is currently insufficient to determine the role of this variant in disease. Therefore, it has been classified as a Variant of Uncertain Significance.

Literature cited by the submitters: PubMed 17576681; PubMed 9536098.

NM_001166114.2(PNPLA6):c.555-3C>T

Gene: PNPLA6 (patatin like domain 6, lysophospholipase; plus strand). Cytogenetic location: 19p13.2.
Variant type: single nucleotide variant.
Coding change: c.555-3C>T on transcript NM_001166114.2 (MANE Select); 3 bases into the intron before coding-DNA position 555, C replaced by T.
Molecular consequence: intron variant.
Genome position (GRCh38, 1-based): chr19:7,540,146, C>T. VCF-style: chr19-7540146-C-T. GRCh37 (hg19) VCF-style: chr19-7605032-C-T.
Other names: c.438-3C>T (NM_006702.5, NM_001166112.2, NM_001166113.1); c.582-3C>T (NM_001166111.2).
Identifiers: ClinVar variation 838406 (VCV000838406.9), dbSNP rs764501990, ClinGen allele CA9139511.
Genomic context (GRCh38, chr19:7,540,146, plus strand): 5'-GAGGGCTGCAGACGTGGGGCCGCCCTGACCTCCAGCCTCTGTCGCCCACCGCCTGTCCAA[C>T]AGGGTGCTGGGCCACTTCGAGAAGCCACTCTTCCTGGAGCTCTGCCGCCACATGGTCTTC-3'